The following is an entry in ClinVar:

ClinVar aggregate classification (germline): Pathogenic/Likely pathogenic. Review status: criteria provided, multiple submitters, no conflicts (2 of 4 stars). 5 submissions from 5 submitters: Pathogenic (3); Likely pathogenic (2). Last evaluated 2026-04-14.

Conditions:
Familial intrahepatic cholestasis. Identifiers: Orphanet 284385, MedGen CN296401, MONDO:0017290.
Benign recurrent intrahepatic cholestasis type 1. Also called: SUMMERSKILL SYNDROME; Mild-to-Moderate ATP8B1 Deficiency (Benign Recurrent Intrahepatic Cholestasis 1 [BRIC1]). Identifiers: Orphanet 65682, Orphanet 99960, MedGen C4551899, MONDO:0009469, OMIM 243300.

Allele frequency attached by ClinVar (database versions not stated): gnomAD 0.00001; gnomAD exomes 0.00001 and 0.00003; ExAC 0.00002; TOPMed 0.00002.
gnomAD v4.1: 44 of 1,611,210 alleles (0.0027%); highest among the groups gnomAD compares: Non-Finnish European, 0.0034%; no homozygotes.

Submissions (5):

Genomenon, Inc
Classification: Likely pathogenic for Familial intrahepatic cholestasis. Last evaluated: 2026-04-14. Review status: criteria provided, single submitter. Criteria: Genomenon Sequence Variant Interpretation Standards - Updated. Collection method: curation. Allele origin: germline. Affected: yes.
Comment: ATP8B1 c.279G>A is a synonymous variant that retains Alanine at residue 93. This variant has been observed in at least one proband with features of ATP8B1-deficiency (PMID:33666275;30366773;15239083). At least one splicing study demonstrated this variant results in aberrant splicing (PMID:25421123). It is absent or not present at a significant frequency in gnomAD. In conclusion, we classify ATP8B1 p.Ala93= (c.279G>A) as a likely pathogenic variant.

Labcorp Genetics (formerly Invitae), Labcorp
Classification: Pathogenic. Last evaluated: 2026-01-16. Review status: criteria provided, single submitter. Criteria: Invitae Variant Classification Sherloc (09022015). Collection method: clinical testing. Allele origin: germline.
Comment: This sequence change affects codon 93 of the ATP8B1 mRNA. It is a 'silent' change, meaning that it does not change the encoded amino acid sequence of the ATP8B1 protein. This variant also falls at the last nucleotide of exon 3, which is part of the consensus splice site for this exon. This variant is present in population databases (rs761575295, gnomAD 0.003%). This variant has been observed in individuals with ATP8B1-related intrahepatic cholestasis (PMID: 15239083, 30366773, 33666275). ClinVar contains an entry for this variant (Variation ID: 289530). Studies have shown that this variant alters ATP8B1 gene expression (PMID: 25421123). Variants that disrupt the consensus splice site are a relatively common cause of aberrant splicing (PMID: 17576681, 9536098). Algorithms developed to predict the effect of sequence changes on RNA splicing suggest that this variant may disrupt the consensus splice site. For these reasons, this variant has been classified as Pathogenic.

Baylor Genetics
Classification: Pathogenic for Benign recurrent intrahepatic cholestasis type 1. Last evaluated: 2024-02-03. Review status: criteria provided, single submitter. Criteria: ACMG Guidelines, 2015. Collection method: clinical testing. Allele origin: unknown.

Eurofins Ntd Llc (ga)
Classification: Pathogenic. Last evaluated: 2016-07-14. Review status: criteria provided, single submitter. Criteria: EGL Classification Definitions 2015. Collection method: clinical testing. Allele origin: germline. Observed: 1 variant allele, 1 homozygote.

Juno Genomics, Hangzhou Juno Genomics, Inc
Classification: Likely pathogenic for Benign recurrent intrahepatic cholestasis type 1. Review status: criteria provided, single submitter. Criteria: ACMG Guidelines, 2015. Collection method: clinical testing. Allele origin: germline.
Comment: Absent from controls (or at extremely low frequency if recessive) in Genome Aggregation Database.;For recessive disorders, detected in trans with a pathogenic variant.;Patient's phenotype or family history is highly specific for a disease with a single genetic etiology.;Multiple lines of computational evidence support a deleterious effect on the gene or gene product.

Literature cited by the submitters: PubMed 33666275 (cited by Genomenon, Inc and Labcorp Genetics (formerly Invitae), Labcorp); PubMed 30366773 (cited by Genomenon, Inc and Labcorp Genetics (formerly Invitae), Labcorp); PubMed 15239083 (cited by Genomenon, Inc and Labcorp Genetics (formerly Invitae), Labcorp); PubMed 25421123 (cited by Genomenon, Inc and Labcorp Genetics (formerly Invitae), Labcorp); PubMed 17576681 (cited by Labcorp Genetics (formerly Invitae), Labcorp); PubMed 9536098 (cited by Labcorp Genetics (formerly Invitae), Labcorp).

NM_001374385.1(ATP8B1):c.279G>A (p.Ala93=)

Gene: ATP8B1 (ATPase phospholipid transporting 8B1; minus strand). Cytogenetic location: 18q21.31.
Variant type: single nucleotide variant.
Coding change: c.279G>A on transcript NM_001374385.1 (MANE Select); coding-DNA position 279, G replaced by A.
Protein change: p.Ala93=; no amino-acid change (alanine 93 retained).
Molecular consequence: synonymous variant. On other transcripts: intron variant (1).
Genome position (GRCh38, 1-based): chr18:57,706,490, C>T on the plus strand (G>A on the coding strand, the complement: ATP8B1 is on the minus strand). VCF-style: chr18-57706490-C-T. GRCh37 (hg19) VCF-style: chr18-55373722-C-T.
Other names: c.279G>A, p.Ala93= (NM_005603.6); c.130-1822G>A (NM_001374386.1).
Identifiers: ClinVar variation 289530 (VCV000289530.11), dbSNP rs761575295, ClinGen allele CA8974906.